The following is an entry in ClinVar:

ClinVar aggregate classification (germline): Likely pathogenic (1 of 4 stars; one submission).

Conditions:
Fraser syndrome 1 (FRASRS1). Also called: CRYPTOPHTHALMOS WITH OTHER MALFORMATIONS. Identifiers: Orphanet 2052, MedGen C4551480, MONDO:0054737, OMIM 219000.

Submission:

Service de Biochimie Médicale et Biologie Moléculaire, CHU Clermont-Ferrand
Classification: Likely pathogenic for Fraser syndrome 1. Last evaluated: 2018-09-14. Review status: criteria provided, single submitter. Criteria: ACMG Guidelines, 2015. Collection method: clinical testing. Allele origin: inherited. Inheritance: Autosomal recessive inheritance. Affected: yes.
Comment: This variant in homozygous state or compound heterozygous state induced Fraser syndrome phenotype

PM2/PM3/PP1/PP3/PP4

NM_025074.7(FRAS1):c.11445+5_11445+11delinsC

Gene: FRAS1 (Fraser extracellular matrix complex subunit 1; plus strand). Cytogenetic location: 4q21.21.
Variant type: Indel.
Coding change: c.11445+5_11445+11delinsC on transcript NM_025074.7 (MANE Select); bases 5 to 11 of the intron after coding-DNA position 11445, GTTTGGT replaced by C.
Molecular consequence: intron variant.
Genome position (GRCh38, 1-based): chr4:78,539,445-78,539,451, GTTTGGT replaced by C. VCF-style: chr4-78539445-GTTTGGT-C. GRCh37 (hg19) VCF-style: chr4-79460599-GTTTGGT-C.
Identifiers: ClinVar variation 916670 (VCV000916670.1), dbSNP rs1721982733, ClinGen allele CA1139658532.